The following is an entry in ClinVar:

NM_139012.3(MAPK14):c.664T>C (p.Leu222=)

Gene: MAPK14 (mitogen-activated protein kinase 14; plus strand). Cytogenetic location: 6p21.31.
Variant type: single nucleotide variant.
Coding change: c.664T>C on transcript NM_139012.3 (MANE Select); coding-DNA position 664, T replaced by C.
Protein change: p.Leu222=; no amino-acid change (leucine 222 retained).
Molecular consequence: synonymous variant.
Genome position (GRCh38, 1-based): chr6:36,076,590, T>C. VCF-style: chr6-36076590-T-C. GRCh37 (hg19) VCF-style: chr6-36044367-T-C.
Other names: c.664T>C, p.Leu222= (NM_001315.3, NM_139013.3, NM_139014.3).
Identifiers: ClinVar variation 4281584 (VCV004281584.7).

ClinVar aggregate classification (germline): Likely benign (1 of 4 stars; one submission).

Submission:

CeGaT Center for Human Genetics Tuebingen
Classification: Likely benign. Last evaluated: 2025-09-01. Review status: criteria provided, single submitter. Criteria: CeGaT Center For Human Genetics Tuebingen Variant Classification Criteria Version 2. Collection method: clinical testing. Allele origin: germline. Affected: yes. Observed: 1 variant allele.
Comment: MAPK14: PM2:Supporting, BP4, BP7